The following is an entry in ClinVar:

ClinVar aggregate classification (germline): Uncertain significance. Review status: criteria provided, multiple submitters, no conflicts (2 of 4 stars). 3 submissions from 3 submitters: Uncertain significance (3). Last evaluated 2025-06-22.

Conditions:
Familial thoracic aortic aneurysm and aortic dissection (TAAD). Also called: Thoracic aortic aneurysms and dissections. Identifiers: Orphanet 91387, MedGen C4707243, MONDO:0019625.
Aneurysm-osteoarthritis syndrome. Also called: SMAD3-Related Loeys-Dietz Syndrome; ANEURYSMS-OSTEOARTHRITIS SYNDROME; LOEYS-DIETZ SYNDROME WITH OSTEOARTHRITIS; Loeys-Dietz syndrome, type 1C. Identifiers: Orphanet 284984, MedGen C3151087, MONDO:0013426, OMIM 613795.

Allele frequency attached by ClinVar (database versions not stated): gnomAD exomes below 0.00001.
gnomAD v4.1: 1 of 1,607,662 alleles (0.000062%); highest among the groups gnomAD compares: Non-Finnish European, 0.000085%; no homozygotes.

Submissions (3):

Labcorp Genetics (formerly Invitae), Labcorp
Classification: Uncertain significance for Familial thoracic aortic aneurysm and aortic dissection. Last evaluated: 2025-06-22. Review status: criteria provided, single submitter. Criteria: Invitae Variant Classification Sherloc (09022015). Collection method: clinical testing. Allele origin: germline.
Comment: This sequence change replaces proline, which is neutral and non-polar, with serine, which is neutral and polar, at codon 9 of the SMAD3 protein (p.Pro9Ser). This variant is not present in population databases (gnomAD no frequency). This variant has not been reported in the literature in individuals affected with SMAD3-related conditions. ClinVar contains an entry for this variant (Variation ID: 2906967). Invitae Evidence Modeling of protein sequence and biophysical properties (such as structural, functional, and spatial information, amino acid conservation, physicochemical variation, residue mobility, and thermodynamic stability) indicates that this missense variant is not expected to disrupt SMAD3 protein function with a negative predictive value of 80%. In summary, the available evidence is currently insufficient to determine the role of this variant in disease. Therefore, it has been classified as a Variant of Uncertain Significance.

Color Diagnostics, LLC DBA Color Health
Classification: Uncertain significance for Familial thoracic aortic aneurysm and aortic dissection. Last evaluated: 2025-06-09. Review status: criteria provided, single submitter. Criteria: ACMG Guidelines, 2015. Collection method: clinical testing. Allele origin: germline.
Comment: This missense variant replaces proline with serine at codon 9 of the SMAD3 protein. Computational prediction tool is inconclusive regarding the impact of this variant on protein structure and function. To our knowledge, functional studies have not been reported for this variant. This variant has not been reported in individuals affected with SMAD3-related disorders in the literature. This variant has not been identified in the general population by the Genome Aggregation Database (gnomAD). The available evidence is insufficient to determine the role of this variant in disease conclusively. Therefore, this variant is classified as a Variant of Uncertain Significance.

All of Us Research Program, National Institutes of Health
Classification: Uncertain significance for Aneurysm-osteoarthritis syndrome. Last evaluated: 2023-05-31. Review status: criteria provided, single submitter. Criteria: ACMG Guidelines, 2015. Collection method: clinical testing. Allele origin: germline. Inheritance: Autosomal dominant inheritance. Observed: 1 variant allele, 1 heterozygote.
Comment: This study involves interpretation of variants in research participants for the purpose of population health screening. Participant phenotype was not available at the time of variant classification. Additional details can be found in publication PMID: 35346344, PMCID: PMC8962531

NM_005902.4(SMAD3):c.25C>T (p.Pro9Ser)

Genes: SMAD3 (SMAD family member 3; plus strand), LOC130057352 (ATAC-STARR-seq lymphoblastoid silent region 6574; plus strand). Cytogenetic location: 15q22.33.
Variant type: single nucleotide variant.
Coding change: c.25C>T on transcript NM_005902.4 (MANE Select); coding-DNA position 25, C replaced by T.
Protein change: p.Pro9Ser; replaces proline 9 with serine.
Molecular consequence: missense variant.
Genome position (GRCh38, 1-based): chr15:67,066,179, C>T. VCF-style: chr15-67066179-C-T. GRCh37 (hg19) VCF-style: chr15-67358517-C-T.
Other names: c.25C>T, p.Pro9Ser (NM_001407011.1, NM_001407012.1, NM_001407013.1); short protein forms P9S.
Identifiers: ClinVar variation 2906967 (VCV002906967.5), dbSNP rs2504999826, ClinGen allele CA393202716.